The following is an entry in ClinVar:

ClinVar aggregate classification (germline): Uncertain significance. Review status: criteria provided, multiple submitters, no conflicts (2 of 4 stars). 2 submissions from 2 submitters: Uncertain significance (2). Last evaluated 2025-11-03.

Conditions:
Inborn genetic diseases. Identifiers: MedGen C0950123, MeSH D030342.

Allele frequency attached by ClinVar (database versions not stated): ExAC 0.00003; gnomAD 0.00001; TOPMed 0.00001; gnomAD exomes 0.00002.
gnomAD v4.1: 37 of 1,613,004 alleles (0.0023%); highest among the groups gnomAD compares: Non-Finnish European, 0.003%; no homozygotes.

Submissions (2):

Ambry Genetics
Classification: Uncertain significance for Inborn genetic diseases. Last evaluated: 2025-11-03. Review status: criteria provided, single submitter. Criteria: Ambry Variant Classification Scheme 2023. Collection method: clinical testing. Allele origin: germline.

GeneDx
Classification: Uncertain significance. Last evaluated: 2019-04-02. Review status: criteria provided, single submitter. Criteria: GeneDx Variant Classification Process June 2021. Collection method: clinical testing. Allele origin: germline. Affected: yes.
Comment: Not observed at a significant frequency in large population cohorts (Lek et al., 2016); In silico analysis, which includes protein predictors and evolutionary conservation, supports that this variant does not alter protein structure/function; Has not been previously published as pathogenic or benign to our knowledge

NM_003922.4(HERC1):c.7645A>G (p.Ser2549Gly)

Gene: HERC1 (HECT and RLD domain containing E3 ubiquitin protein ligase family member 1; minus strand). Cytogenetic location: 15q22.31.
Variant type: single nucleotide variant.
Coding change: c.7645A>G on transcript NM_003922.4 (MANE Select); coding-DNA position 7645, A replaced by G.
Protein change: p.Ser2549Gly; replaces serine 2549 with glycine.
Molecular consequence: missense variant.
Genome position (GRCh38, 1-based): chr15:63,674,543, T>C on the plus strand (A>G on the coding strand, the complement: HERC1 is on the minus strand). VCF-style: chr15-63674543-T-C. GRCh37 (hg19) VCF-style: chr15-63966742-T-C.
Other names: short protein forms S2549G.
Identifiers: ClinVar variation 1318553 (VCV001318553.3), dbSNP rs749225480, ClinGen allele CA7605122.